The following is an entry in ClinVar:

NM_000217.3(KCNA1):c.436G>A (p.Glu146Lys)

Gene: KCNA1 (potassium voltage-gated channel subfamily A member 1; plus strand). Cytogenetic location: 12p13.32.
Variant type: single nucleotide variant.
Coding change: c.436G>A on transcript NM_000217.3 (MANE Select); coding-DNA position 436, G replaced by A.
Protein change: p.Glu146Lys; replaces glutamic acid 146 with lysine.
Molecular consequence: missense variant.
Genome position (GRCh38, 1-based): chr12:4,911,814, G>A. VCF-style: chr12-4911814-G-A. GRCh37 (hg19) VCF-style: chr12-5020980-G-A.
Other names: short protein forms E146K.
Identifiers: ClinVar variation 4808289 (VCV004808289.1).

ClinVar aggregate classification (germline): Uncertain significance (1 of 4 stars; one submission).

Conditions:
Episodic ataxia type 1 (EA1). Also called: Episodic ataxia/myokymia syndrome; ATAXIA, EPISODIC, WITH MYOKYMIA; MYOKYMIA WITH PERIODIC ATAXIA; PAROXYSMAL ATAXIA WITH NEUROMYOTONIA, HEREDITARY. Identifiers: Orphanet 37612, Orphanet 972, MedGen C1719788, MONDO:0008047, OMIM 160120.

Submission:

Labcorp Genetics (formerly Invitae), Labcorp
Classification: Uncertain significance for Episodic ataxia type 1. Last evaluated: 2026-01-06. Review status: criteria provided, single submitter. Criteria: Invitae Variant Classification Sherloc (09022015). Collection method: clinical testing. Allele origin: germline.
Comment: This sequence change replaces glutamic acid, which is acidic and polar, with lysine, which is basic and polar, at codon 146 of the KCNA1 protein (p.Glu146Lys). This variant is present in population databases (rs772823472, gnomAD 0.002%). This variant has not been reported in the literature in individuals affected with KCNA1-related conditions. Invitae Evidence Modeling of protein sequence and biophysical properties (such as structural, functional, and spatial information, amino acid conservation, physicochemical variation, residue mobility, and thermodynamic stability) indicates that this missense variant is not expected to disrupt KCNA1 protein function with a negative predictive value of 80%. In summary, the available evidence is currently insufficient to determine the role of this variant in disease. Therefore, it has been classified as a Variant of Uncertain Significance.